The following is an entry in ClinVar:

ClinVar aggregate classification (germline): Likely benign (1 of 4 stars; one submission).

Conditions:
NRAP-related disorder. Also called: NRAP-related condition.

gnomAD v4.1: 39 of 1,614,138 alleles (0.0024%); highest among the groups gnomAD compares: Non-Finnish European, 0.0032%; no homozygotes.

Submission:

PreventionGenetics, part of Exact Sciences
Classification: Likely benign for NRAP-related condition. Last evaluated: 2025-02-19. Review status: criteria provided, single submitter. Criteria: ACMG Guidelines, 2015. Collection method: clinical testing. Allele origin: germline.
Comment: This variant is classified as likely benign based on ACMG/AMP sequence variant interpretation guidelines (Richards et al. 2015 PMID: 25741868, with internal and published modifications).

NM_198060.4(NRAP):c.4677A>T (p.Arg1559=)

Gene: NRAP (nebulin related anchoring protein; minus strand). Cytogenetic location: 10q25.3.
Variant type: single nucleotide variant.
Coding change: c.4677A>T on transcript NM_198060.4 (MANE Select); coding-DNA position 4677, A replaced by T.
Protein change: p.Arg1559=; no amino-acid change (arginine 1559 retained).
Molecular consequence: synonymous variant.
Genome position (GRCh38, 1-based): chr10:113,590,857, T>A on the plus strand (A>T on the coding strand, the complement: NRAP is on the minus strand). VCF-style: chr10-113590857-T-A. GRCh37 (hg19) VCF-style: chr10-115350616-T-A.
Other names: c.4677A>T, p.Arg1559= (NM_001261463.2); c.4569A>T, p.Arg1523= (NM_001322945.2); c.4572A>T, p.Arg1524= (NM_006175.5).
Identifiers: ClinVar variation 4977950 (VCV004977950.1).